The following is an entry in ClinVar:

NM_000548.5(TSC2):c.569dup (p.Tyr190Ter)

Gene: TSC2 (TSC complex subunit 2; plus strand). Cytogenetic location: 16p13.3.
Variant type: Duplication.
Coding change: c.569dup on transcript NM_000548.5 (MANE Select); coding-DNA position 569, one base duplicated (A; older notation c.569dupA).
Protein change: p.Tyr190Ter; replaces tyrosine 190 with a stop codon.
Molecular consequence: nonsense. On other transcripts: intron variant (1).
Genome position (GRCh38, 1-based): chr16:2,055,489, A duplicated. VCF-style (leftmost placement, unchanged base first): chr16-2055488-T-TA. GRCh37 (hg19) VCF-style: chr16-2105489-T-TA.
Other names: c.569dup, p.Tyr190Ter (NM_001077183.3, NM_001114382.3, NM_001363528.2 and 3 more transcripts); c.458dup, p.Tyr153Ter (NM_001318827.2); c.422dup, p.Tyr141Ter (NM_001318829.2); c.602dup, p.Tyr201Ter (NM_001318832.2); c.-1-707dup (NM_001318831.2); short protein forms Y201*, Y153*, Y190*, Y141*.
Identifiers: ClinVar variation 50038 (VCV000050038.12), dbSNP rs137854359, ClinGen allele CA022559.
Genomic context (GRCh38, chr16:2,055,488, plus strand): 5'-GTTGGCTTGTCCTCGGAATTCCTTCTGGTGCTGGTGAACTTGGTCAAATTCAATAGCTGT[T>TA]ACCTCGACGAGTACATCGCAAGGATGGTTCAGTAAGAAAAGAATTGAGATCCTGTTCTGA-3'

ClinVar aggregate classification (germline): Pathogenic. Review status: criteria provided, multiple submitters, no conflicts (2 of 4 stars). 5 submissions from 5 submitters: Pathogenic (4). 1 of the submissions does not count toward it. Last evaluated 2025-11-22.

Conditions:
Tuberous sclerosis syndrome (TSC). Also called: Tuberous Sclerosis Complex; Tuberous sclerosis. Identifiers: Orphanet 805, MedGen C0041341, MONDO:0001734.
Tuberous sclerosis 2 (TSC2). Identifiers: Orphanet 805, MedGen C1860707, MONDO:0013199, OMIM 613254.

Submissions (5):

3billion
Classification: Pathogenic for Tuberous sclerosis 2. Last evaluated: 2025-11-22. Review status: criteria provided, single submitter. Criteria: ACMG Guidelines, 2015. Collection method: clinical testing. Allele origin: germline. Affected: yes.
Comment: The variant is not observed in the gnomAD v4.1.0 dataset. Predicted Consequence/Location: Stop-gained (nonsense): predicted to result in a loss or disruption of normal protein function through nonsense-mediated decay (NMD) or protein truncation. Multiple pathogenic variants are reported downstream of the variant. In silico tools predict the variant to alter splicing and produce an abnormal transcript [SpliceAI: 0.29 (spliceogenicity >=0.2, non-spliceogenicity <0.1)]. The variant has been reported at least twice as pathogenic with clinical assertions and evidence for the classification (ClinVar ID: VCV000050038 /PMID: 10735580). Therefore, this variant is classified as Pathogenic according to the recommendation of ACMG/AMP guideline.

Labcorp Genetics (formerly Invitae), Labcorp
Classification: Pathogenic for Tuberous sclerosis 2. Last evaluated: 2025-06-27. Review status: criteria provided, single submitter. Criteria: Invitae Variant Classification Sherloc (09022015). Collection method: clinical testing. Allele origin: germline.
Comment: This sequence change creates a premature translational stop signal (p.Tyr190*) in the TSC2 gene. It is expected to result in an absent or disrupted protein product. Loss-of-function variants in TSC2 are known to be pathogenic (PMID: 10205261, 17304050). This variant is not present in population databases (gnomAD no frequency). This premature translational stop signal has been observed in individual(s) with tuberous sclerosis complex (PMID: 10735580). This variant is also known as 570insA. ClinVar contains an entry for this variant (Variation ID: 50038). Algorithms developed to predict the effect of sequence changes on RNA splicing suggest that this variant may disrupt the consensus splice site. For these reasons, this variant has been classified as Pathogenic.

Genome-Nilou Lab
Classification: Pathogenic for Tuberous sclerosis 2. Last evaluated: 2021-11-07. Review status: criteria provided, single submitter. Criteria: ACMG Guidelines, 2015. Collection method: clinical testing. Allele origin: germline. Affected: no.

Athena Diagnostics
Classification: Pathogenic for Tuberous sclerosis 2. Last evaluated: 2013-06-10. Review status: criteria provided, single submitter. Criteria: Athena Diagnostics Criteria. Collection method: clinical testing. Allele origin: germline. Inheritance: Autosomal dominant inheritance.

Tuberous sclerosis database (TSC2)
No classification provided. Condition: TSC. Review status: no classification provided. Criteria: Tuberous Sclerosis Database Assertion Criteria 2015. Collection method: curation. Allele origin: germline. Affected: yes. Not counted in ClinVar's aggregate classification.

Literature cited by the submitters: PubMed 10735580 (cited by 3 submitters); PubMed 10205261 (cited by Labcorp Genetics (formerly Invitae), Labcorp); PubMed 17304050 (cited by Labcorp Genetics (formerly Invitae), Labcorp).